The following is an entry in ClinVar:

ClinVar aggregate classification (germline): Uncertain significance (1 of 4 stars; one submission).

gnomAD v4.1: 17 of 1,195,175 alleles (0.0014%); highest among the groups gnomAD compares: Non-Finnish European, 0.0018%; no homozygotes.

Submission:

Ambry Genetics
Classification: Uncertain significance. Last evaluated: 2025-12-09. Review status: criteria provided, single submitter. Criteria: Ambry Variant Classification Scheme 2023. Collection method: clinical testing. Allele origin: germline.
Comment: The c.718G>A (p.E240K) alteration is located in exon 10 (coding exon 7) of the SYTL4 gene. This alteration results from a G to A substitution at nucleotide position 718, causing the glutamic acid (E) at amino acid position 240 to be replaced by a lysine (K). Based on data from gnomAD, the A allele has an overall frequency of 0.001% (2/181701) total alleles studied. The highest observed frequency was 0.003% (2/81268) of European (non-Finnish) alleles. Based on insufficient or conflicting evidence, the clinical significance of this alteration remains unclear.

NM_001370165.1(SYTL4):c.718G>A (p.Glu240Lys)

Gene: SYTL4 (synaptotagmin like 4; minus strand). Cytogenetic location: Xq22.1.
Variant type: single nucleotide variant.
Coding change: c.718G>A on transcript NM_001370165.1 (MANE Select); coding-DNA position 718, G replaced by A.
Protein change: p.Glu240Lys; replaces glutamic acid 240 with lysine.
Molecular consequence: missense variant.
Genome position (GRCh38, 1-based): chrX:100,690,165, C>T on the plus strand (G>A on the coding strand, the complement: SYTL4 is on the minus strand). VCF-style: chrX-100690165-C-T. GRCh37 (hg19) VCF-style: chrX-99945162-C-T.
Other names: c.718G>A, p.Glu240Lys (NM_001370167.1, NM_001370168.1, NM_001370169.1 and 9 more transcripts); short protein forms E240K.
Identifiers: ClinVar variation 4592152 (VCV004592152.1).